The following is an entry in ClinVar:

NM_001170629.2(CHD8):c.5564G>A (p.Arg1855His)

Gene: CHD8 (chromodomain helicase DNA binding protein 8; minus strand). Cytogenetic location: 14q11.2.
Variant type: single nucleotide variant.
Coding change: c.5564G>A on transcript NM_001170629.2 (MANE Select); coding-DNA position 5564, G replaced by A.
Protein change: p.Arg1855His; replaces arginine 1855 with histidine.
Molecular consequence: missense variant.
Genome position (GRCh38, 1-based): chr14:21,394,312, C>T on the plus strand (G>A on the coding strand, the complement: CHD8 is on the minus strand). VCF-style: chr14-21394312-C-T. GRCh37 (hg19) VCF-style: chr14-21862471-C-T.
Other names: c.4727G>A, p.Arg1576His (NM_020920.4); short protein forms R1576H, R1855H.
Identifiers: ClinVar variation 4851475 (VCV004851475.1).

ClinVar aggregate classification (germline): Uncertain significance (1 of 4 stars; one submission).

Conditions:
Paediatric disorders.

gnomAD v4.1: 37 of 1,613,896 alleles (0.0023%); highest among the groups gnomAD compares: Non-Finnish European, 0.003%; no homozygotes.

Submission:

North West Genomic Laboratory Hub, Manchester University NHS Foundation Trust
Classification: Uncertain significance for Paediatric disorders. Last evaluated: 2026-05-04. Review status: criteria provided, single submitter. Criteria: ACGS Best Practice Guidelines for Variant Classification in Rare Disease 2024. Collection method: clinical testing. Allele origin: germline. Affected: yes.
Comment: PM2_Mod PP3_Supp